The following is an entry in ClinVar:

ClinVar aggregate classification (germline): Uncertain significance. Review status: criteria provided, multiple submitters, no conflicts (2 of 4 stars). 2 submissions from 2 submitters: Uncertain significance (2). Last evaluated 2022-01-14.

Allele frequency attached by ClinVar (database versions not stated): gnomAD exomes below 0.00001; gnomAD 0.00001; TOPMed 0.00001.

Submissions (2):

Blueprint Genetics
Classification: Uncertain significance. Last evaluated: 2022-01-14. Review status: criteria provided, single submitter. Criteria: ACMG Guidelines, 2015. Collection method: clinical testing. Allele origin: germline.

Labcorp Genetics (formerly Invitae), Labcorp
Classification: Uncertain significance. Last evaluated: 2018-07-23. Review status: criteria provided, single submitter. Criteria: Invitae Variant Classification Sherloc (09022015). Collection method: clinical testing. Allele origin: germline.
Comment: In summary, the available evidence is currently insufficient to determine the role of this variant in disease. Therefore, it has been classified as a Variant of Uncertain Significance. Algorithms developed to predict the effect of missense changes on protein structure and function are either unavailable or do not agree on the potential impact of this missense change (SIFT: "Tolerated"; PolyPhen-2: "Possibly Damaging"; Align-GVGD: "Class C0"). This sequence change replaces arginine with tryptophan at codon 400 of the KCNQ4 protein (p.Arg400Trp). The arginine residue is weakly conserved and there is a moderate physicochemical difference between arginine and tryptophan. While this variant is not present in population databases, the frequency information is unreliable, as metrics indicate poor data quality at this position in the ExAC database. This variant has not been reported in the literature in individuals with KCNQ4-related disease.

NM_004700.4(KCNQ4):c.1198C>T (p.Arg400Trp)

Gene: KCNQ4 (potassium voltage-gated channel subfamily Q member 4; plus strand). Cytogenetic location: 1p34.2.
Variant type: single nucleotide variant.
Coding change: c.1198C>T on transcript NM_004700.4 (MANE Select); coding-DNA position 1198, C replaced by T.
Protein change: p.Arg400Trp; replaces arginine 400 with tryptophan.
Molecular consequence: missense variant. On other transcripts: intron variant (1).
Genome position (GRCh38, 1-based): chr1:40,824,164, C>T. VCF-style: chr1-40824164-C-T. GRCh37 (hg19) VCF-style: chr1-41289836-C-T.
Other names: c.1130+1762C>T (NM_172163.3); short protein forms R400W.
Identifiers: ClinVar variation 651900 (VCV000651900.9), dbSNP rs1239252987, ClinGen allele CA339898047.